The following is an entry in ClinVar:

ClinVar aggregate classification (germline): Uncertain significance. Review status: criteria provided, multiple submitters, no conflicts (2 of 4 stars). 6 submissions from 6 submitters: Uncertain significance (5). 1 of the submissions does not count toward it. Last evaluated 2025-01-19.

Conditions:
Bardet-Biedl syndrome 20. Identifiers: MedGen C4310707, MONDO:0023670, OMIM 619471, MONDO:0014926.
Short-rib thoracic dysplasia 10 with or without polydactyly (SRTD10). Identifiers: Orphanet 474, MedGen C3810175, MONDO:0014284, OMIM 615630.
Retinitis pigmentosa 71 (RP71). Identifiers: Orphanet 791, MedGen C4225342, MONDO:0014618, OMIM 616394.
IFT172-related disorder. Also called: IFT172-related disorders; IFT172-related condition.
Inborn genetic diseases. Identifiers: MedGen C0950123, MeSH D030342.

Allele frequency attached by ClinVar (database versions not stated): gnomAD 0.00007 and 0.00008; TOPMed 0.00010.
gnomAD v4.1: 130 of 1,611,054 alleles (0.0081%); highest among the groups gnomAD compares: Non-Finnish European, 0.01%; no homozygotes.

Submissions (6):

Ambry Genetics
Classification: Uncertain significance for Inborn genetic diseases. Last evaluated: 2025-01-19. Review status: criteria provided, single submitter. Criteria: Ambry Variant Classification Scheme 2023. Collection method: clinical testing. Allele origin: germline.

Blueprint Genetics
Classification: Uncertain significance. Last evaluated: 2024-09-03. Review status: criteria provided, single submitter. Criteria: ACMG Guidelines, 2015. Collection method: clinical testing. Allele origin: germline.

Fulgent Genetics
Classification: Uncertain significance for Short-rib thoracic dysplasia 10 with or without polydactyly; Retinitis pigmentosa 71; Bardet-Biedl syndrome 20. Last evaluated: 2024-04-11. Review status: criteria provided, single submitter. Criteria: ACMG Guidelines, 2015. Collection method: clinical testing. Allele origin: germline.

Labcorp Genetics (formerly Invitae), Labcorp
Classification: Uncertain significance for Retinitis pigmentosa 71; Short-rib thoracic dysplasia 10 with or without polydactyly. Last evaluated: 2023-10-16. Review status: criteria provided, single submitter. Criteria: Invitae Variant Classification Sherloc (09022015). Collection method: clinical testing. Allele origin: germline.
Comment: This sequence change replaces arginine, which is basic and polar, with histidine, which is basic and polar, at codon 444 of the IFT172 protein (p.Arg444His). This variant is present in population databases (rs751965696, gnomAD 0.01%). This variant has not been reported in the literature in individuals affected with IFT172-related conditions. ClinVar contains an entry for this variant (Variation ID: 848052). Advanced modeling of protein sequence and biophysical properties (such as structural, functional, and spatial information, amino acid conservation, physicochemical variation, residue mobility, and thermodynamic stability) performed at Invitae indicates that this missense variant is expected to disrupt IFT172 protein function. In summary, the available evidence is currently insufficient to determine the role of this variant in disease. Therefore, it has been classified as a Variant of Uncertain Significance.

GeneDx
Classification: Uncertain significance. Last evaluated: 2022-08-10. Review status: criteria provided, single submitter. Criteria: GeneDx Variant Classification Process June 2021. Collection method: clinical testing. Allele origin: germline. Affected: yes.
Comment: Not observed at significant frequency in large population cohorts (gnomAD); In silico analysis supports that this missense variant has a deleterious effect on protein structure/function; Has not been previously published as pathogenic or benign to our knowledge

PreventionGenetics, part of Exact Sciences
Classification: Uncertain significance for IFT172-related condition. Last evaluated: 2023-12-24. Review status: no assertion criteria provided. Collection method: clinical testing. Allele origin: germline. Not counted in ClinVar's aggregate classification.
Comment: The IFT172 c.1331G>A variant is predicted to result in the amino acid substitution p.Arg444His. To our knowledge, this variant has not been reported in the literature. This variant is reported in 0.012% of alleles in individuals of European (Non-Finnish) descent in gnomAD. At this time, the clinical significance of this variant is uncertain due to the absence of conclusive functional and genetic evidence.

NM_015662.3(IFT172):c.1331G>A (p.Arg444His)

Gene: IFT172 (intraflagellar transport 172; minus strand). Cytogenetic location: 2p23.3.
Variant type: single nucleotide variant.
Coding change: c.1331G>A on transcript NM_015662.3 (MANE Select); coding-DNA position 1331, G replaced by A.
Protein change: p.Arg444His; replaces arginine 444 with histidine.
Molecular consequence: missense variant.
Genome position (GRCh38, 1-based): chr2:27,476,721, C>T on the plus strand (G>A on the coding strand, the complement: IFT172 is on the minus strand). VCF-style: chr2-27476721-C-T. GRCh37 (hg19) VCF-style: chr2-27699588-C-T.
Other names: c.1331G>A (NM_015662.1); short protein forms R444H.
Identifiers: ClinVar variation 848052 (VCV000848052.14), dbSNP rs751965696, ClinGen allele CA1580689.